The following is an entry in ClinVar:

ClinVar aggregate classification (germline): Uncertain significance. Review status: criteria provided, multiple submitters, no conflicts (2 of 4 stars). 4 submissions from 4 submitters: Uncertain significance (3). 1 of the submissions does not count toward it. Last evaluated 2025-03-18.

Conditions:
Retinitis pigmentosa 25 (RP25). Identifiers: Orphanet 791, MedGen C1864446, MONDO:0011272, OMIM 602772.
Inborn genetic diseases. Identifiers: MedGen C0950123, MeSH D030342.

Allele frequency attached by ClinVar (database versions not stated): gnomAD exomes 0.00001 and 0.00002; ExAC 0.00004; gnomAD 0.00005; TOPMed 0.00006; ESP Exome Variant Server 0.00023.
gnomAD v4.1: 17 of 1,614,004 alleles (0.0011%); highest among the groups gnomAD compares: African/African-American, 0.017%; no homozygotes.

Submissions (4):

Ambry Genetics
Classification: Uncertain significance for Inborn genetic diseases. Last evaluated: 2025-03-18. Review status: criteria provided, single submitter. Criteria: Ambry Variant Classification Scheme 2023. Collection method: clinical testing. Allele origin: germline.

Labcorp Genetics (formerly Invitae), Labcorp
Classification: Uncertain significance. Last evaluated: 2022-07-11. Review status: criteria provided, single submitter. Criteria: Invitae Variant Classification Sherloc (09022015). Collection method: clinical testing. Allele origin: germline.
Comment: This sequence change replaces histidine, which is basic and polar, with arginine, which is basic and polar, at codon 186 of the EYS protein (p.His186Arg). This variant is present in population databases (rs140341077, gnomAD 0.03%). This variant has not been reported in the literature in individuals affected with EYS-related conditions. ClinVar contains an entry for this variant (Variation ID: 1053582). Algorithms developed to predict the effect of missense changes on protein structure and function output the following: SIFT: "Deleterious"; PolyPhen-2: "Benign"; Align-GVGD: "Class C25". The arginine amino acid residue is found in multiple mammalian species, which suggests that this missense change does not adversely affect protein function. In summary, the available evidence is currently insufficient to determine the role of this variant in disease. Therefore, it has been classified as a Variant of Uncertain Significance.

Blueprint Genetics
Classification: Uncertain significance. Last evaluated: 2019-08-16. Review status: criteria provided, single submitter. Criteria: ACMG Guidelines, 2015. Collection method: clinical testing. Allele origin: germline.

Natera, Inc.
Classification: Uncertain significance for Retinitis pigmentosa type 25. Last evaluated: 2020-02-26. Review status: no assertion criteria provided. Collection method: clinical testing. Allele origin: germline. Not counted in ClinVar's aggregate classification.

NM_001142800.2(EYS):c.557A>G (p.His186Arg)

Gene: EYS (EGF-like photoreceptor maintenance factor; minus strand). Cytogenetic location: 6q12.
Variant type: single nucleotide variant.
Coding change: c.557A>G on transcript NM_001142800.2 (MANE Select); coding-DNA position 557, A replaced by G.
Protein change: p.His186Arg; replaces histidine 186 with arginine.
Molecular consequence: missense variant.
Genome position (GRCh38, 1-based): chr6:65,494,854, T>C on the plus strand (A>G on the coding strand, the complement: EYS is on the minus strand). VCF-style: chr6-65494854-T-C. GRCh37 (hg19) VCF-style: chr6-66204747-T-C.
Other names: c.557A>G, p.His186Arg (NM_001142801.2, NM_001292009.2, NM_198283.2); c.557A>G (NM_001142800.1); short protein forms H186R.
Identifiers: ClinVar variation 1053582 (VCV001053582.5), dbSNP rs140341077, ClinGen allele CA3878058.